The following is an entry in ClinVar:

ClinVar aggregate classification (germline): Uncertain significance. Review status: criteria provided, multiple submitters, no conflicts (2 of 4 stars). 4 submissions from 4 submitters: Uncertain significance (4). Last evaluated 2025-07-09.

Conditions:
Marfan syndrome (MFS). Also called: Marfan syndrome, classic; Marfan syndrome type 1; Marfan's syndrome; FBN1-Related Marfan Syndrome; MARFAN SYNDROME, TYPE I. Identifiers: Orphanet 284963, Orphanet 558, MedGen C0024796, MONDO:0007947, OMIM 154700.
Familial thoracic aortic aneurysm and aortic dissection (TAAD). Also called: Thoracic aortic aneurysms and dissections. Identifiers: Orphanet 91387, MedGen C4707243, MONDO:0019625.

Allele frequency attached by ClinVar (database versions not stated): gnomAD exomes below 0.00001; TOPMed below 0.00001.
gnomAD v4.1: 1 of 1,614,176 alleles (0.000062%); highest among the groups gnomAD compares: Non-Finnish European, 0.000085%; no homozygotes.

Submissions (4):

GeneDx
Classification: Uncertain significance. Last evaluated: 2025-07-09. Review status: criteria provided, single submitter. Criteria: GeneDx Variant Classification Process June 2021. Collection method: clinical testing. Allele origin: germline. Affected: yes.
Comment: Has not been previously published as pathogenic or benign to our knowledge; Not observed in large population cohorts (gnomAD); In silico analysis supports that this missense variant has a deleterious effect on protein structure/function; Does not affect a cysteine or calcium-binding residue within an EGF-like domain or a TGF-binding protein domain of the FBN1 gene; cysteine substitutions in the EGF-like domains represent the majority of pathogenic missense changes associated with FBN1-related disorders (PMID: 12938084); This variant is associated with the following publications: (PMID: 12938084)

Color Diagnostics, LLC DBA Color Health
Classification: Uncertain significance for Familial thoracic aortic aneurysm and aortic dissection. Last evaluated: 2023-12-05. Review status: criteria provided, single submitter. Criteria: ACMG Guidelines, 2015. Collection method: clinical testing. Allele origin: germline.
Comment: This missense variant replaces methionine with threonine at codon 657 of the FBN1 protein. Computational prediction tools and conservation analyses are inconclusive regarding the impact of this variant on protein function. Computational splicing tools suggest that this variant may not impact RNA splicing. To our knowledge, functional assays have not been performed for this variant nor has this variant been reported in individuals affected with cardiovascular disorders in the literature. This variant has not been identified in the general population by the Genome Aggregation Database (gnomAD). Available evidence is insufficient to determine the role of this variant in disease conclusively. Therefore, this variant is classified as a Variant of Uncertain Significance.

Labcorp Genetics (formerly Invitae), Labcorp
Classification: Uncertain significance for Marfan syndrome; Familial thoracic aortic aneurysm and aortic dissection. Last evaluated: 2023-11-02. Review status: criteria provided, single submitter. Criteria: Invitae Variant Classification Sherloc (09022015). Collection method: clinical testing. Allele origin: germline.
Comment: This sequence change replaces methionine, which is neutral and non-polar, with threonine, which is neutral and polar, at codon 657 of the FBN1 protein (p.Met657Thr). This variant is not present in population databases (gnomAD no frequency). This variant has not been reported in the literature in individuals affected with FBN1-related conditions. ClinVar contains an entry for this variant (Variation ID: 920886). Advanced modeling of protein sequence and biophysical properties (such as structural, functional, and spatial information, amino acid conservation, physicochemical variation, residue mobility, and thermodynamic stability) has been performed at Invitae for this missense variant, however the output from this modeling did not meet the statistical confidence thresholds required to predict the impact of this variant on FBN1 protein function. In summary, the available evidence is currently insufficient to determine the role of this variant in disease. Therefore, it has been classified as a Variant of Uncertain Significance.

All of Us Research Program, National Institutes of Health
Classification: Uncertain significance for Marfan syndrome. Last evaluated: 2023-03-04. Review status: criteria provided, single submitter. Criteria: ACMG Guidelines, 2015. Collection method: clinical testing. Allele origin: germline. Inheritance: Autosomal dominant inheritance. Observed: 1 variant allele, 1 heterozygote.
Comment: This missense variant replaces methionine with threonine at codon 657 of the FBN1 protein. Computational prediction tools and conservation analyses are inconclusive regarding the impact of this variant on protein function. Computational splicing tools suggest that this variant may not impact RNA splicing. To our knowledge, functional assays have not been performed for this variant nor has this variant been reported in individuals affected with cardiovascular disorders in the literature. This variant has not been identified in the general population by the Genome Aggregation Database (gnomAD). Available evidence is insufficient to determine the role of this variant in disease conclusively. Therefore, this variant is classified as a Variant of Uncertain Significance.

This study involves interpretation of variants in research participants for the purpose of population health screening. Participant phenotype was not available at the time of variant classification. Additional details can be found in publication PMID: 35346344, PMCID: PMC8962531

NM_000138.5(FBN1):c.1970T>C (p.Met657Thr)

Gene: FBN1 (fibrillin 1; minus strand). Cytogenetic location: 15q21.1.
Variant type: single nucleotide variant.
Coding change: c.1970T>C on transcript NM_000138.5 (MANE Select); coding-DNA position 1970, T replaced by C.
Protein change: p.Met657Thr; replaces methionine 657 with threonine.
Molecular consequence: missense variant.
Genome position (GRCh38, 1-based): chr15:48,503,930, A>G on the plus strand (T>C on the coding strand, the complement: FBN1 is on the minus strand). VCF-style: chr15-48503930-A-G. GRCh37 (hg19) VCF-style: chr15-48796127-A-G.
Other names: short protein forms M657T.
Identifiers: ClinVar variation 920886 (VCV000920886.12), dbSNP rs2043686451, ClinGen allele CA392338854.